The following is an entry in ClinVar:

NM_012470.4(TNPO3):c.2543A>G (p.Tyr848Cys)

Gene: TNPO3 (transportin 3; minus strand). Cytogenetic location: 7q32.1.
Variant type: single nucleotide variant.
Coding change: c.2543A>G on transcript NM_012470.4 (MANE Select); coding-DNA position 2543, A replaced by G.
Protein change: p.Tyr848Cys; replaces tyrosine 848 with cysteine.
Molecular consequence: missense variant. On other transcripts: non-coding transcript variant (18).
Genome position (GRCh38, 1-based): chr7:128,970,203, T>C on the plus strand (A>G on the coding strand, the complement: TNPO3 is on the minus strand). VCF-style: chr7-128970203-T-C. GRCh37 (hg19) VCF-style: chr7-128610257-T-C.
Other names: c.2351A>G, p.Tyr784Cys (NM_001191028.3, NM_001382223.1); c.2645A>G, p.Tyr882Cys (NM_001382216.1); c.2624A>G, p.Tyr875Cys (NM_001382217.1); c.2543A>G, p.Tyr848Cys (NM_001382218.1); c.2435A>G, p.Tyr812Cys (NM_001382219.1); c.2402A>G, p.Tyr801Cys (NM_001382220.1); c.2399A>G, p.Tyr800Cys (NM_001382221.1); c.2396A>G, p.Tyr799Cys (NM_001382222.1); short protein forms Y848C, Y784C, Y799C, Y800C, Y801C, Y812C, Y875C, Y882C.
Identifiers: ClinVar variation 533437 (VCV000533437.11), dbSNP rs1554435157, ClinGen allele CA369251963.
Genomic context (GRCh38, chr7:128,970,203, plus strand): 5'-CTTACCGGTCTGTCAACCTGCATGATCTCCCAGAGCACTTCAGCCACATCTGGTAGGGTA[T>C]AGGGGGGGAGGCAAAAGCAGCAGGTGTGCAGCAGCTGGCTGACAAGCTGCTGTCCAAGCT-3'
Protein context (NP_036602.1, residues 838-858): LHTCCFCLPP[Tyr848Cys]TLPDVAEVLW

ClinVar aggregate classification (germline): Uncertain significance (1 of 4 stars; one submission).

Conditions:
Autosomal dominant limb-girdle muscular dystrophy type 1F (LGMDD2). Also called: Limb-girdle muscular dystrophy, type 1F; MUSCULAR DYSTROPHY, LIMB-GIRDLE, AUTOSOMAL DOMINANT 2. Identifiers: Orphanet 55595, MedGen C1842062, MONDO:0012034, OMIM 608423.

Submission:

Labcorp Genetics (formerly Invitae), Labcorp
Classification: Uncertain significance for Autosomal dominant limb-girdle muscular dystrophy type 1F. Last evaluated: 2022-07-06. Review status: criteria provided, single submitter. Criteria: Invitae Variant Classification Sherloc (09022015). Collection method: clinical testing. Allele origin: germline.
Comment: In summary, the available evidence is currently insufficient to determine the role of this variant in disease. Therefore, it has been classified as a Variant of Uncertain Significance. Algorithms developed to predict the effect of missense changes on protein structure and function (SIFT, PolyPhen-2, Align-GVGD) all suggest that this variant is likely to be tolerated. ClinVar contains an entry for this variant (Variation ID: 533437). This variant has not been reported in the literature in individuals affected with TNPO3-related conditions. This variant is not present in population databases (gnomAD no frequency). This sequence change replaces tyrosine, which is neutral and polar, with cysteine, which is neutral and slightly polar, at codon 848 of the TNPO3 protein (p.Tyr848Cys).